The following is an entry in ClinVar:

NM_001194998.2(CEP152):c.3836G>A (p.Cys1279Tyr)

Gene: CEP152 (centrosomal protein 152; minus strand). Cytogenetic location: 15q21.1.
Variant type: single nucleotide variant.
Coding change: c.3836G>A on transcript NM_001194998.2 (MANE Select); coding-DNA position 3836, G replaced by A.
Protein change: p.Cys1279Tyr; replaces cysteine 1279 with tyrosine.
Molecular consequence: missense variant.
Genome position (GRCh38, 1-based): chr15:48,742,100, C>T on the plus strand (G>A on the coding strand, the complement: CEP152 is on the minus strand). VCF-style: chr15-48742100-C-T. GRCh37 (hg19) VCF-style: chr15-49034297-C-T.
Other names: c.3668G>A, p.Cys1223Tyr (NM_014985.4); short protein forms C1223Y, C1279Y.
Identifiers: ClinVar variation 1519336 (VCV001519336.6), dbSNP rs745869178, ClinGen allele CA7548252.

ClinVar aggregate classification (germline): Uncertain significance (1 of 4 stars; one submission).

Allele frequency attached by ClinVar (database versions not stated): gnomAD exomes below 0.00001 and 0.00001; ExAC 0.00001.
gnomAD v4.1: 7 of 1,613,918 alleles (0.00043%); highest among the groups gnomAD compares: Non-Finnish European, 0.00059%; no homozygotes.

Submission:

Labcorp Genetics (formerly Invitae), Labcorp
Classification: Uncertain significance. Last evaluated: 2021-11-29. Review status: criteria provided, single submitter. Criteria: Invitae Variant Classification Sherloc (09022015). Collection method: clinical testing. Allele origin: germline.
Comment: In summary, the available evidence is currently insufficient to determine the role of this variant in disease. Therefore, it has been classified as a Variant of Uncertain Significance. Algorithms developed to predict the effect of missense changes on protein structure and function (SIFT, PolyPhen-2, Align-GVGD) all suggest that this variant is likely to be tolerated. This variant has not been reported in the literature in individuals affected with CEP152-related conditions. This variant is present in population databases (rs745869178, gnomAD 0.0009%). This sequence change replaces cysteine, which is neutral and slightly polar, with tyrosine, which is neutral and polar, at codon 1223 of the CEP152 protein (p.Cys1223Tyr).